The following is an entry in ClinVar:

NM_002860.4(ALDH18A1):c.1606-48T>G

Gene: ALDH18A1 (aldehyde dehydrogenase 18 family member A1; minus strand). Cytogenetic location: 10q24.1.
Variant type: single nucleotide variant.
Coding change: c.1606-48T>G on transcript NM_002860.4 (MANE Select); 48 bases into the intron before coding-DNA position 1606, T replaced by G.
Molecular consequence: intron variant.
Genome position (GRCh38, 1-based): chr10:95,614,209, A>C on the plus strand (T>G on the coding strand, the complement: ALDH18A1 is on the minus strand). VCF-style: chr10-95614209-A-C. GRCh37 (hg19) VCF-style: chr10-97373966-A-C.
Other names: c.970-48T>G (NM_001323419.2); c.1273-48T>G (NM_001323412.2, NM_001323416.2); c.1501-48T>G (NM_001323417.2); c.1600-48T>G (NM_001017423.2, NM_001323415.2); c.1267-48T>G (NM_001323418.2); c.1606-48T>G (NM_001323413.2, NM_001323414.2).
Identifiers: ClinVar variation 678443 (VCV000678443.5), dbSNP rs2296692, ClinGen allele CA5620270.

ClinVar aggregate classification (germline): Benign. Review status: criteria provided, multiple submitters, no conflicts (2 of 4 stars). 6 submissions from 3 submitters: Benign (6). Last evaluated 2021-07-14.

Conditions:
Cutis laxa, autosomal dominant 3 (ADCL3). Identifiers: Orphanet 90348, MedGen C4225268, MONDO:0014706, OMIM 616603.
Autosomal recessive complex spastic paraplegia type 9B. Also called: Spastic paraplegia 9b, autosomal recessive. Identifiers: Orphanet 447760, MedGen C5568980, MONDO:0014702, OMIM 616586.
Hereditary spastic paraplegia 9A. Also called: CATARACTS WITH MOTOR NEURONOPATHY, SHORT STATURE, AND SKELETAL ABNORMALITIES; SPASTIC PARAPLEGIA 9A, AUTOSOMAL DOMINANT; SPASTIC PARAPARESIS WITH AMYOTROPHY, CATARACTS, AND GASTROESOPHAGEAL REFLUX. Identifiers: Orphanet 100990, Orphanet 447753, MedGen C5568978, MONDO:0011006, OMIM 601162.
ALDH18A1-related de Barsy syndrome. Also called: DE BARSY SYNDROME A; Cutis laxa, autosomal recessive IIIA. Identifiers: Orphanet 2962, Orphanet 35664, MedGen C5234852, MONDO:0009053, OMIM 219150.

Allele frequency attached by ClinVar (database versions not stated): 1000 Genomes Project 0.29772; 1000 Genomes Project 30x 0.30450; TOPMed 0.41631; gnomAD 0.41971 and 0.42481; ESP Exome Variant Server 0.42634; ExAC 0.44566; gnomAD exomes 0.45264 and 0.50350.
gnomAD v4.1: 780,801 of 1,579,732 alleles (49%); highest among the groups gnomAD compares: Admixed American, 55%; 203,431 homozygotes.

Submissions (6):

Genome-Nilou Lab
Classification: Benign for Cutis laxa, autosomal dominant 3. Last evaluated: 2021-07-14. Review status: criteria provided, single submitter. Criteria: ACMG Guidelines, 2015. Collection method: clinical testing. Allele origin: germline. Affected: no.

Genome-Nilou Lab
Classification: Benign for ALDH18A1-related de Barsy syndrome. Last evaluated: 2021-07-14. Review status: criteria provided, single submitter. Criteria: ACMG Guidelines, 2015. Collection method: clinical testing. Allele origin: germline. Affected: no.

Genome-Nilou Lab
Classification: Benign for Hereditary spastic paraplegia 9A. Last evaluated: 2021-07-14. Review status: criteria provided, single submitter. Criteria: ACMG Guidelines, 2015. Collection method: clinical testing. Allele origin: germline. Affected: no.

Genome-Nilou Lab
Classification: Benign for Autosomal recessive complex spastic paraplegia type 9B. Last evaluated: 2021-07-14. Review status: criteria provided, single submitter. Criteria: ACMG Guidelines, 2015. Collection method: clinical testing. Allele origin: germline. Affected: no.

GeneDx
Classification: Benign. Last evaluated: 2018-06-14. Review status: criteria provided, single submitter. Criteria: GeneDx Variant Classification (06012015). Collection method: clinical testing. Allele origin: germline. Affected: yes.
Comment: This variant is considered likely benign or benign based on one or more of the following criteria: it is a conservative change, it occurs at a poorly conserved position in the protein, it is predicted to be benign by multiple in silico algorithms, and/or has population frequency not consistent with disease.

Breakthrough Genomics
Classification: Benign. Review status: criteria provided, single submitter. Criteria: ACMG Guidelines, 2015. Collection method: not provided. Allele origin: germline. Inheritance: Autosomal recessive inheritance. Affected: yes.